The following is an entry in ClinVar:

ClinVar aggregate classification (germline): Pathogenic (1 of 4 stars; one submission).

Submission:

GeneDx
Classification: Pathogenic. Last evaluated: 2019-03-25. Review status: criteria provided, single submitter. Criteria: GeneDx Variant Classification Process June 2021. Collection method: clinical testing. Allele origin: germline. Affected: yes.
Comment: In silico analysis, which includes protein predictors and evolutionary conservation, supports a deleterious effect; Has not been previously published as pathogenic or benign to our knowledge; Not observed in large population cohorts (Lek et al., 2016)

NM_001372044.2(SHANK3):c.5311G>A (p.Gly1771Ser)

Gene: SHANK3 (SH3 and multiple ankyrin repeat domains 3; plus strand). Cytogenetic location: 22q13.33.
Variant type: single nucleotide variant.
Coding change: c.5311G>A on transcript NM_001372044.2 (MANE Select); coding-DNA position 5311, G replaced by A.
Protein change: p.Gly1771Ser; replaces glycine 1771 with serine.
Molecular consequence: missense variant.
Genome position (GRCh38, 1-based): chr22:50,731,202, G>A. VCF-style: chr22-50731202-G-A. GRCh37 (hg19) VCF-style: chr22-51169630-G-A.
Other names: c.5086G>A, p.Gly1696Ser (NM_033517.1); short protein forms G1696S, G1771S.
Identifiers: ClinVar variation 452885 (VCV000452885.2), dbSNP rs1555910944, ClinGen allele CA515267922.